The following is an entry in ClinVar:

ClinVar aggregate classification (germline): Uncertain significance. Review status: criteria provided, multiple submitters, no conflicts (2 of 4 stars). 2 submissions from 2 submitters: Uncertain significance (2). Last evaluated 2026-06-02.

Conditions:
Hereditary cancer-predisposing syndrome. Also called: Hereditary Cancer Syndrome; Neoplastic Syndromes, Hereditary; Tumor predisposition; Hereditary neoplastic syndrome. Identifiers: Orphanet 140162, MedGen C0027672, MeSH D009386, MONDO:0015356.
DICER1-related tumor predisposition. Also called: DICER1-related pleuropulmonary blastoma cancer predisposition syndrome; DICER1 syndrome. Identifiers: Orphanet 284343, MedGen C3839822, MONDO:0100216.

gnomAD v4.1: 2 of 1,614,030 alleles (0.00012%); highest among the groups gnomAD compares: Admixed American, 0.0033%; no homozygotes.

Submissions (2):

Ambry Genetics
Classification: Uncertain significance for Hereditary cancer-predisposing syndrome. Last evaluated: 2026-06-02. Review status: criteria provided, single submitter. Criteria: Ambry Variant Classification Scheme 2023. Collection method: clinical testing. Allele origin: germline.
Comment: The p.S1468F variant (also known as c.4403C>T), located in coding exon 22 of the DICER1 gene, results from a C to T substitution at nucleotide position 4403. The serine at codon 1468 is replaced by phenylalanine, an amino acid with highly dissimilar properties. This amino acid position is conserved. In addition, the in silico prediction for this alteration is inconclusive. Based on the available evidence, the clinical significance of this variant remains unclear.

Labcorp Genetics (formerly Invitae), Labcorp
Classification: Uncertain significance for DICER1-related tumor predisposition. Last evaluated: 2024-11-26. Review status: criteria provided, single submitter. Criteria: Invitae Variant Classification Sherloc (09022015). Collection method: clinical testing. Allele origin: germline.
Comment: This sequence change replaces serine, which is neutral and polar, with phenylalanine, which is neutral and non-polar, at codon 1468 of the DICER1 protein (p.Ser1468Phe). This variant is present in population databases (rs753582860, gnomAD 0.003%). This variant has not been reported in the literature in individuals affected with DICER1-related conditions. ClinVar contains an entry for this variant (Variation ID: 943486). Invitae Evidence Modeling of protein sequence and biophysical properties (such as structural, functional, and spatial information, amino acid conservation, physicochemical variation, residue mobility, and thermodynamic stability) indicates that this missense variant is not expected to disrupt DICER1 protein function with a negative predictive value of 95%. In summary, the available evidence is currently insufficient to determine the role of this variant in disease. Therefore, it has been classified as a Variant of Uncertain Significance.

NM_177438.3(DICER1):c.4403C>T (p.Ser1468Phe)

Gene: DICER1 (dicer 1, ribonuclease III; minus strand). Cytogenetic location: 14q32.13.
Variant type: single nucleotide variant.
Coding change: c.4403C>T on transcript NM_177438.3 (MANE Select); coding-DNA position 4403, C replaced by T.
Protein change: p.Ser1468Phe; replaces serine 1468 with phenylalanine.
Molecular consequence: missense variant.
Genome position (GRCh38, 1-based): chr14:95,096,517, G>A on the plus strand (C>T on the coding strand, the complement: DICER1 is on the minus strand). VCF-style: chr14-95096517-G-A. GRCh37 (hg19) VCF-style: chr14-95562854-G-A.
Other names: c.4403C>T, p.Ser1468Phe (NM_001195573.1, NM_001271282.3, NM_001291628.2 and 1 more transcripts); short protein forms S1468F.
Identifiers: ClinVar variation 943486 (VCV000943486.12), dbSNP rs753582860, ClinGen allele CA7330856.